The following is an entry in ClinVar:

NM_024426.6(WT1):c.1020_1021delinsAC (p.His340_Ser341delinsGlnArg)

Gene: WT1 (WT1 transcription factor; minus strand). Cytogenetic location: 11p13.
Variant type: Indel.
Coding change: c.1020_1021delinsAC on transcript NM_024426.6 (MANE Select); coding-DNA positions 1020 to 1021, CA replaced by AC.
Protein change: p.His340_Ser341delinsGlnArg.
Molecular consequence: missense variant. On other transcripts: 5 prime UTR variant (1), non-coding transcript variant (1).
Genome position (GRCh38, 1-based): chr11:32,400,040-32,400,041, TG replaced by GT on the plus strand (CA replaced by AC on the coding strand, the reverse complement: WT1 is on the minus strand). VCF-style: chr11-32400040-TG-GT. GRCh37 (hg19) VCF-style: chr11-32421586-TG-GT.
Other names: c.969_970delinsAC, p.His323_Ser324delinsGlnArg (NM_000378.6); c.369_370delCAinsAC, p.His123_Ser124delinsGlnArg (NM_001198551.2); c.318_319delinsAC, p.His106_Ser107delinsGlnArg (NM_001198552.2); c.-169_-168delinsAC (NM_001367854.1); c.969_970delCAinsAC, p.His323_Ser324delinsGlnArg (NM_001407045.1, NM_001407048.1, NM_001407049.1); c.1020_1021delCAinsAC, p.His340_Ser341delinsGlnArg (NM_001407046.1); c.897_898delCAinsAC, p.His299_Ser300delinsGlnArg (NM_001407047.1); c.846_847delCAinsAC, p.His282_Ser283delinsGlnArg (NM_001407050.1); and 3 more.
Identifiers: ClinVar variation 581715 (VCV000581715.8), dbSNP rs1564975891, ClinGen allele CA891843132.

ClinVar aggregate classification (germline): Uncertain significance (1 of 4 stars; one submission).

Conditions:
Frasier syndrome. Identifiers: Orphanet 347, MedGen C0950122, MeSH D052159, MONDO:0007635, OMIM 136680.
Wilms tumor 1 (WT1). Also called: Wilms tumor, somatic. Identifiers: Orphanet 654, MedGen CN033288, MONDO:0008679, OMIM 194070.
11p partial monosomy syndrome (WAGR). Also called: WAGR Complex; WAGR syndrome; WAGR Spectrum Disorder; CHROMOSOME 11p13 DELETION SYNDROME. Identifiers: Orphanet 893, MedGen C0206115, MONDO:0008681, OMIM 194072.
Drash syndrome (DDS). Also called: NEPHROPATHY, WILMS TUMOR, AND GENITAL ANOMALIES; WILMS TUMOR AND PSEUDO- OR TRUE HERMAPHRODITISM. Identifiers: Orphanet 220, MedGen C0950121, MONDO:0008682, OMIM 194080.

Submission:

Labcorp Genetics (formerly Invitae), Labcorp
Classification: Uncertain significance for Wilms tumor 1; Drash syndrome; 11p partial monosomy syndrome; Frasier syndrome. Last evaluated: 2018-05-30. Review status: criteria provided, single submitter. Criteria: Invitae Variant Classification Sherloc (09022015). Collection method: clinical testing. Allele origin: germline.
Comment: This variant has not been reported in the literature in individuals with WT1-related disease. In summary, the available evidence is currently insufficient to determine the role of this variant in disease. Therefore, it has been classified as a Variant of Uncertain Significance. Experimental studies and prediction algorithms are not available for this variant, and the functional significance of the deleted amino acids is currently unknown. This variant is not present in population databases (ExAC no frequency). This sequence change deletes 2 nucleotides and inserts 2 different nucleotides in exon 6 of the WT1 mRNA (c.1005_1006delCAinsAC). This results in the replacement of 2 adjacent amino acids at codons 335 and 336 with 2 different amino acids (p.His335_Ser336delinsGlnArg).